The following is an entry in ClinVar:

NM_006364.4(SEC23A):c.82C>T (p.Arg28Ter)

Gene: SEC23A (SEC23 homolog A, COPII component; minus strand). Cytogenetic location: 14q21.1.
Variant type: single nucleotide variant.
Coding change: c.82C>T on transcript NM_006364.4 (MANE Select); coding-DNA position 82, C replaced by T.
Protein change: p.Arg28Ter; replaces arginine 28 with a stop codon.
Molecular consequence: nonsense.
Genome position (GRCh38, 1-based): chr14:39,096,037, G>A on the plus strand (C>T on the coding strand, the complement: SEC23A is on the minus strand). VCF-style: chr14-39096037-G-A. GRCh37 (hg19) VCF-style: chr14-39565241-G-A.
Other names: short protein forms R28*.
Identifiers: ClinVar variation 2189270 (VCV002189270.4), dbSNP rs199571263, ClinGen allele CA7162259.
Genomic context (GRCh38, chr14:39,096,037, plus strand): 5'-TCTCTTTCAGTGGTGTAAACAGGGCTGCCACAGGAACAACCATTCTTGTAGCTTCCAGTC[G>A]ACTTGATGGCCAAACATTCCAACTAAATCGGACTCCATCTCGTTCTTCATTTTGTTGAAT-3'

ClinVar aggregate classification (germline): Uncertain significance (1 of 4 stars; one submission).

Conditions:
Craniolenticulosutural dysplasia (CLSD). Also called: BOYADJIEV-JABS SYNDROME. Identifiers: Orphanet 50814, MedGen C1843042, MONDO:0011911, OMIM 607812.

Allele frequency attached by ClinVar (database versions not stated): ExAC 0.00002; gnomAD exomes 0.00002; TOPMed 0.00002.
gnomAD v4.1: 12 of 1,614,024 alleles (0.00074%); highest among the groups gnomAD compares: Admixed American, 0.02%; no homozygotes.

Submission:

Labcorp Genetics (formerly Invitae), Labcorp
Classification: Uncertain significance for Craniolenticulosutural dysplasia. Last evaluated: 2025-05-27. Review status: criteria provided, single submitter. Criteria: Invitae Variant Classification Sherloc (09022015). Collection method: clinical testing. Allele origin: germline.
Comment: This sequence change creates a premature translational stop signal (p.Arg28*) in the SEC23A gene. It is expected to result in an absent or disrupted protein product. However, the current clinical and genetic evidence is not sufficient to establish whether loss-of-function variants in SEC23A cause disease. This variant is present in population databases (rs199571263, gnomAD 0.03%). This variant has not been reported in the literature in individuals affected with SEC23A-related conditions. ClinVar contains an entry for this variant (Variation ID: 2189270). In summary, the available evidence is currently insufficient to determine the role of this variant in disease. Therefore, it has been classified as a Variant of Uncertain Significance.